The following is an entry in ClinVar:

ClinVar aggregate classification (germline): Uncertain significance (1 of 4 stars; one submission).

Allele frequency attached by ClinVar (database versions not stated): gnomAD exomes 0.00001.
gnomAD v4.1: 5 of 1,598,524 alleles (0.00031%); highest among the groups gnomAD compares: Non-Finnish European, 0.00043%; no homozygotes.

Submission:

Labcorp Genetics (formerly Invitae), Labcorp
Classification: Uncertain significance. Last evaluated: 2022-09-07. Review status: criteria provided, single submitter. Criteria: Invitae Variant Classification Sherloc (09022015). Collection method: clinical testing. Allele origin: germline.
Comment: This sequence change replaces threonine, which is neutral and polar, with alanine, which is neutral and non-polar, at codon 185 of the ADD3 protein (p.Thr185Ala). The frequency data for this variant in the population databases is considered unreliable, as metrics indicate poor data quality at this position in the gnomAD database. This variant has not been reported in the literature in individuals affected with ADD3-related conditions. Algorithms developed to predict the effect of missense changes on protein structure and function are either unavailable or do not agree on the potential impact of this missense change (SIFT: "Not Available"; PolyPhen-2: "Benign"; Align-GVGD: "Not Available"). In summary, the available evidence is currently insufficient to determine the role of this variant in disease. Therefore, it has been classified as a Variant of Uncertain Significance.

NM_016824.5(ADD3):c.553A>G (p.Thr185Ala)

Gene: ADD3 (adducin 3; plus strand). Cytogenetic location: 10q25.2.
Variant type: single nucleotide variant.
Coding change: c.553A>G on transcript NM_016824.5 (MANE Select); coding-DNA position 553, A replaced by G.
Protein change: p.Thr185Ala; replaces threonine 185 with alanine.
Molecular consequence: missense variant.
Genome position (GRCh38, 1-based): chr10:110,117,408, A>G. VCF-style: chr10-110117408-A-G. GRCh37 (hg19) VCF-style: chr10-111877166-A-G.
Other names: c.553A>G, p.Thr185Ala (NM_001121.4, NM_001320591.2, NM_001320592.2 and 2 more transcripts); c.319A>G, p.Thr107Ala (NM_001320594.2); short protein forms T107A, T185A.
Identifiers: ClinVar variation 1719045 (VCV001719045.5), dbSNP rs1359148248, ClinGen allele CA378366856.
Genomic context (GRCh38, chr10:110,117,408, plus strand): 5'-ATAAGTAAGGAGCAAGACCACATTATAATAATTCCCAGAGGCCTATCTTTTTCTGAAGCT[A>G]CAGCCTCCAATTTGGTATAATTTTCCATTCCTGTGTTGCTTTTTCTGAGCTTTCTTTGGC-3'
Protein context (NP_058432.1, residues 175-195): IPRGLSFSEA[Thr185Ala]ASNLVKVNII